The following is an entry in ClinVar:

NC_000005.9:g.(?_139493767)_(139494735_?)dup

Gene: PURA (purine rich element binding protein A; plus strand). Cytogenetic location: 5q31.2.
Variant type: Duplication.
Identifiers: ClinVar variation 3246408 (VCV003246408.1).

ClinVar aggregate classification (germline): Uncertain significance (1 of 4 stars; one submission).

Conditions:
PURA-related severe neonatal hypotonia-seizures-encephalopathy syndrome (NEDRIHF). Also called: NEURODEVELOPMENTAL DISORDER WITH NEONATAL RESPIRATORY INSUFFICIENCY, HYPOTONIA, AND FEEDING DIFFICULTIES; PURA-Related Neurodevelopmental Disorders. Identifiers: Orphanet 438213, Orphanet 438216, MedGen C4015357, MONDO:1060108, OMIM 616158, MONDO:0018580.

Submission:

Labcorp Genetics (formerly Invitae), Labcorp
Classification: Uncertain significance for PURA-related severe neonatal hypotonia-seizures-encephalopathy syndrome. Last evaluated: 2023-09-12. Review status: criteria provided, single submitter. Criteria: Invitae Variant Classification Sherloc (09022015). Collection method: clinical testing. Allele origin: unknown.
Comment: A copy number gain of the genomic region encompassing the full coding sequence of the PURA gene has been identified. The boundaries of this event are unknown as they extend beyond the assayed region for this gene and therefore may encompass additional genes. As the precise location of this event is unknown, it may be in tandem or it may be located elsewhere in the genome. This variant has not been reported in the literature in individuals affected with PURA-related conditions. In summary, the available evidence is currently insufficient to determine the role of this variant in disease. Therefore, it has been classified as a Variant of Uncertain Significance.